The following is an entry in ClinVar:

NM_005360.5(MAF):c.433G>A (p.Gly145Ser)

Gene: MAF (MAF bZIP transcription factor; minus strand). Cytogenetic location: 16q23.2.
Variant type: single nucleotide variant.
Coding change: c.433G>A on transcript NM_005360.5 (MANE Select); coding-DNA position 433, G replaced by A.
Protein change: p.Gly145Ser; replaces glycine 145 with serine.
Molecular consequence: missense variant.
Genome position (GRCh38, 1-based): chr16:79,599,470, C>T on the plus strand (G>A on the coding strand, the complement: MAF is on the minus strand). VCF-style: chr16-79599470-C-T. GRCh37 (hg19) VCF-style: chr16-79633367-C-T.
Other names: c.433G>A, p.Gly145Ser (NM_001031804.3); short protein forms G145S.
Identifiers: ClinVar variation 1220193 (VCV001220193.33), dbSNP rs550438083, ClinGen allele CA8184054.

ClinVar aggregate classification (germline): Benign/Likely benign. Review status: criteria provided, multiple submitters, no conflicts (2 of 4 stars). 6 submissions from 6 submitters: Benign (2); Likely benign (3). 1 of the submissions does not count toward it. Last evaluated 2025-05-08.

Conditions:
MAF-related disorder. Also called: MAF-related condition.
Cataract 21 multiple types. Also called: CATARACT 21, MULTIPLE TYPES, WITH OR WITHOUT MICROCORNEA; CATARACT 21, CERULEAN, WITH OR WITHOUT MICROCORNEA; CATARACT 21, MULTIPLE TYPES, WITH MICROCORNEA; Cataract, congenital, cerulean type, 4. Identifiers: Orphanet 91492, MedGen C1857768, MONDO:0012437, OMIM 610202.
Ayme-Gripp syndrome. Also called: Aymé-Gripp Syndrome. Identifiers: MedGen C1832812, MONDO:0010992, OMIM 601088.

Allele frequency attached by ClinVar (database versions not stated): 1000 Genomes Project 0.00020; gnomAD 0.00072 and 0.00073; 1000 Genomes Project 30x 0.00078; gnomAD exomes 0.00118.
gnomAD v4.1: 1,366 of 1,364,510 alleles (0.1%); highest among the groups gnomAD compares: Middle Eastern, 0.51%; 2 homozygotes.

Submissions (6):

Labcorp Genetics (formerly Invitae), Labcorp
Classification: Benign for Cataract 21 multiple types; Ayme-Gripp syndrome. Last evaluated: 2025-05-08. Review status: criteria provided, single submitter. Criteria: Invitae Variant Classification Sherloc (09022015). Collection method: clinical testing. Allele origin: germline.

Blueprint Genetics
Classification: Benign. Last evaluated: 2024-10-22. Review status: criteria provided, single submitter. Criteria: ACMG Guidelines, 2015. Collection method: clinical testing. Allele origin: germline.

CeGaT Center for Human Genetics Tuebingen
Classification: Likely benign. Last evaluated: 2023-04-01. Review status: criteria provided, single submitter. Criteria: CeGaT Center For Human Genetics Tuebingen Variant Classification Criteria Version 2. Collection method: clinical testing. Allele origin: germline. Affected: yes. Observed: 1 variant allele.
Comment: MAF: PP3, BS1

GeneDx
Classification: Likely benign. Last evaluated: 2021-03-17. Review status: criteria provided, single submitter. Criteria: GeneDx Variant Classification Process June 2021. Collection method: clinical testing. Allele origin: germline. Affected: yes.

Breakthrough Genomics
Classification: Likely benign. Review status: criteria provided, single submitter. Criteria: ACMG Guidelines, 2015. Collection method: not provided. Allele origin: germline. Inheritance: Autosomal dominant inheritance. Affected: yes.

PreventionGenetics, part of Exact Sciences
Classification: Benign for MAF-related condition. Last evaluated: 2019-09-18. Review status: no assertion criteria provided. Collection method: clinical testing. Allele origin: germline. Not counted in ClinVar's aggregate classification.
Comment: This variant is classified as benign based on ACMG/AMP sequence variant interpretation guidelines (Richards et al. 2015 PMID: 25741868, with internal and published modifications).